The following is an entry in ClinVar:

ClinVar aggregate classification (germline): Uncertain significance (1 of 4 stars; one submission).

Conditions:
Inborn genetic diseases. Identifiers: MedGen C0950123, MeSH D030342.

Submission:

Ambry Genetics
Classification: Uncertain significance for Inborn genetic diseases. Last evaluated: 2021-09-16. Review status: criteria provided, single submitter. Criteria: Ambry Variant Classification Scheme 2023. Collection method: clinical testing. Allele origin: germline.
Comment: The p.P86S variant (also known as c.256C>T), located in coding exon 3 of the YARS gene, results from a C to T substitution at nucleotide position 256. The proline at codon 86 is replaced by serine, an amino acid with similar properties. This amino acid position is conserved. In addition, the in silico prediction for this alteration is inconclusive. Since supporting evidence is limited at this time, the clinical significance of this alteration remains unclear.

NM_003680.4(YARS1):c.256C>T (p.Pro86Ser)

Gene: YARS1 (tyrosyl-tRNA synthetase 1; minus strand). Cytogenetic location: 1p35.1.
Variant type: single nucleotide variant.
Coding change: c.256C>T on transcript NM_003680.4 (MANE Select); coding-DNA position 256, C replaced by T.
Protein change: p.Pro86Ser; replaces proline 86 with serine.
Molecular consequence: missense variant.
Genome position (GRCh38, 1-based): chr1:32,810,715, G>A on the plus strand (C>T on the coding strand, the complement: YARS1 is on the minus strand). VCF-style: chr1-32810715-G-A. GRCh37 (hg19) VCF-style: chr1-33276316-G-A.
Other names: short protein forms P86S.
Identifiers: ClinVar variation 1799856 (VCV001799856.2), dbSNP rs2523436068, ClinGen allele CA339687269.